The following is an entry in ClinVar:

NM_016373.4(WWOX):c.958G>A (p.Ala320Thr)

Gene: WWOX (WW domain containing oxidoreductase; plus strand). Cytogenetic location: 16q23.1.
Variant type: single nucleotide variant.
Coding change: c.958G>A on transcript NM_016373.4 (MANE Select); coding-DNA position 958, G replaced by A.
Protein change: p.Ala320Thr; replaces alanine 320 with threonine.
Molecular consequence: missense variant.
Genome position (GRCh38, 1-based): chr16:78,432,654, G>A. VCF-style: chr16-78432654-G-A. GRCh37 (hg19) VCF-style: chr16-78466551-G-A.
Other names: c.619G>A, p.Ala207Thr (NM_001291997.2); short protein forms A320T, A207T.
Identifiers: ClinVar variation 410085 (VCV000410085.13), dbSNP rs368670215, ClinGen allele CA8183578.

ClinVar aggregate classification (germline): Uncertain significance. Review status: criteria provided, multiple submitters, no conflicts (2 of 4 stars). 3 submissions from 3 submitters: Uncertain significance (3). Last evaluated 2025-11-26.

Conditions:
Autosomal recessive spinocerebellar ataxia 12. Also called: SPINOCEREBELLAR ATAXIA WITH MENTAL RETARDATION AND EPILEPSY. Identifiers: Orphanet 284282, MedGen C3280452, MONDO:0013687, OMIM 614322.
Developmental and epileptic encephalopathy, 1 (DEE1). Also called: Epileptic encephalopathy, early infantile, 1; X-linked infantile spasms; West's syndrome; Tonic spasms with clustering, arrest of psychomotor development and hypsarrhythmia on EEG; X-Linked Infantile Spasm Syndrome; INFANTILE SPASM SYNDROME, X-LINKED 1. Identifiers: MedGen C3463992, MONDO:0010632, OMIM 308350. Disease mechanism: loss of function.
Inborn genetic diseases. Identifiers: MedGen C0950123, MeSH D030342.

Allele frequency attached by ClinVar (database versions not stated): ExAC 0.00003; gnomAD exomes 0.00004; gnomAD 0.00006; TOPMed 0.00007; ESP Exome Variant Server 0.00024.
gnomAD v4.1: 40 of 1,614,056 alleles (0.0025%); highest among the groups gnomAD compares: African/African-American, 0.019%; no homozygotes.

Submissions (3):

Ambry Genetics
Classification: Uncertain significance for Inborn genetic diseases. Last evaluated: 2025-11-26. Review status: criteria provided, single submitter. Criteria: Ambry Variant Classification Scheme 2023. Collection method: clinical testing. Allele origin: germline.

Labcorp Genetics (formerly Invitae), Labcorp
Classification: Uncertain significance for Developmental and epileptic encephalopathy, 1; Autosomal recessive spinocerebellar ataxia 12. Last evaluated: 2025-10-02. Review status: criteria provided, single submitter. Criteria: Invitae Variant Classification Sherloc (09022015). Collection method: clinical testing. Allele origin: germline.
Comment: This sequence change replaces alanine, which is neutral and non-polar, with threonine, which is neutral and polar, at codon 320 of the WWOX protein (p.Ala320Thr). This variant is present in population databases (rs368670215, gnomAD 0.03%). This variant has not been reported in the literature in individuals affected with WWOX-related conditions. ClinVar contains an entry for this variant (Variation ID: 410085). Invitae Evidence Modeling of protein sequence and biophysical properties (such as structural, functional, and spatial information, amino acid conservation, physicochemical variation, residue mobility, and thermodynamic stability) indicates that this missense variant is not expected to disrupt WWOX protein function with a negative predictive value of 80%. In summary, the available evidence is currently insufficient to determine the role of this variant in disease. Therefore, it has been classified as a Variant of Uncertain Significance.

GeneDx
Classification: Uncertain significance. Last evaluated: 2025-01-16. Review status: criteria provided, single submitter. Criteria: GeneDx Variant Classification Process June 2021. Collection method: clinical testing. Allele origin: germline. Affected: yes.
Comment: In silico analysis indicates that this missense variant does not alter protein structure/function; Has not been previously published as pathogenic or benign to our knowledge; This variant is associated with the following publications: (PMID: 25411445)